The following is an entry in ClinVar:

NM_032776.3(JMJD1C):c.5309T>C (p.Ile1770Thr)

Gene: JMJD1C (jumonji domain containing 1C; minus strand). Cytogenetic location: 10q21.3.
Variant type: single nucleotide variant.
Coding change: c.5309T>C on transcript NM_032776.3 (MANE Select); coding-DNA position 5309, T replaced by C.
Protein change: p.Ile1770Thr; replaces isoleucine 1770 with threonine.
Molecular consequence: missense variant. On other transcripts: non-coding transcript variant (1).
Genome position (GRCh38, 1-based): chr10:63,198,695, A>G on the plus strand (T>C on the coding strand, the complement: JMJD1C is on the minus strand). VCF-style: chr10-63198695-A-G. GRCh37 (hg19) VCF-style: chr10-64958455-A-G.
Other names: c.4763T>C, p.Ile1588Thr (NM_001282948.2, NM_001318154.2); c.4445T>C, p.Ile1482Thr (NM_001318153.2); c.5195T>C, p.Ile1732Thr (NM_001322252.2); c.4652T>C, p.Ile1551Thr (NM_001322254.2, NM_001322258.2); short protein forms I1482T, I1551T, I1588T, I1732T, I1770T.
Identifiers: ClinVar variation 1684818 (VCV001684818.6), dbSNP rs1361979736, ClinGen allele CA377032376.

ClinVar aggregate classification (germline): Uncertain significance. Review status: criteria provided, multiple submitters, no conflicts (2 of 4 stars). 2 submissions from 2 submitters: Uncertain significance (2). Last evaluated 2025-09-19.

Conditions:
Early Myoclonic Encephalopathy. Identifiers: MedGen C0270855.

Allele frequency attached by ClinVar (database versions not stated): gnomAD exomes below 0.00001.
gnomAD v4.1: 3 of 1,607,316 alleles (0.00019%); highest among the groups gnomAD compares: Non-Finnish European, 0.00025%; 1 homozygote.

Submissions (2):

Labcorp Genetics (formerly Invitae), Labcorp
Classification: Uncertain significance for Early Myoclonic Encephalopathy. Last evaluated: 2025-09-19. Review status: criteria provided, single submitter. Criteria: Invitae Variant Classification Sherloc (09022015). Collection method: clinical testing. Allele origin: germline.
Comment: This sequence change replaces isoleucine, which is neutral and non-polar, with threonine, which is neutral and polar, at codon 1770 of the JMJD1C protein (p.Ile1770Thr). This variant is not present in population databases (gnomAD no frequency). This variant has not been reported in the literature in individuals affected with JMJD1C-related conditions. ClinVar contains an entry for this variant (Variation ID: 1684818). Invitae Evidence Modeling of protein sequence and biophysical properties (such as structural, functional, and spatial information, amino acid conservation, physicochemical variation, residue mobility, and thermodynamic stability) has been performed for this missense variant. However, the output from this modeling did not meet the statistical confidence thresholds required to predict the impact of this variant on JMJD1C protein function. In summary, the available evidence is currently insufficient to determine the role of this variant in disease. Therefore, it has been classified as a Variant of Uncertain Significance.

Mendelics
Classification: Uncertain significance. Last evaluated: 2022-05-04. Review status: criteria provided, single submitter. Criteria: Mendelics Assertion Criteria 2019. Collection method: clinical testing. Allele origin: germline.